The following is an entry in ClinVar:

ClinVar aggregate classification (germline): Likely pathogenic (1 of 4 stars; one submission).

Submission:

CeGaT Center for Human Genetics Tuebingen
Classification: Likely pathogenic. Last evaluated: 2024-07-01. Review status: criteria provided, single submitter. Criteria: CeGaT Center For Human Genetics Tuebingen Variant Classification Criteria Version 2. Collection method: clinical testing. Allele origin: germline. Affected: yes. Observed: 1 variant allele.
Comment: PDHA1: PM2, PP4:Moderate, PS2:Moderate, PP2

NM_000284.4(PDHA1):c.476A>T (p.Asn159Ile)

Gene: PDHA1 (pyruvate dehydrogenase E1 subunit alpha 1; plus strand). Cytogenetic location: Xp22.12.
Variant type: single nucleotide variant.
Coding change: c.476A>T on transcript NM_000284.4 (MANE Select); coding-DNA position 476, A replaced by T.
Protein change: p.Asn159Ile; replaces asparagine 159 with isoleucine.
Molecular consequence: missense variant.
Genome position (GRCh38, 1-based): chrX:19,353,139, A>T. VCF-style: chrX-19353139-A-T. GRCh37 (hg19) VCF-style: chrX-19371257-A-T.
Other names: c.590A>T, p.Asn197Ile (NM_001173454.2); c.497A>T, p.Asn166Ile (NM_001173455.2); c.476A>T, p.Asn159Ile (NM_001173456.2); short protein forms N159I, N166I, N197I.
Identifiers: ClinVar variation 3257428 (VCV003257428.17).